The following is an entry in ClinVar:

ClinVar aggregate classification (germline): Uncertain significance (1 of 4 stars; one submission).

Conditions:
SLC4A10-related disorder. Also called: SLC4A10-related condition.

Submission:

PreventionGenetics, part of Exact Sciences
Classification: Uncertain significance for SLC4A10-related condition. Last evaluated: 2023-05-04. Review status: criteria provided, single submitter. Criteria: ACMG Guidelines, 2015. Collection method: clinical testing. Allele origin: germline.
Comment: The SLC4A10 c.211A>G variant is predicted to result in the amino acid substitution p.Lys71Glu. To our knowledge, this variant has not been reported in the literature or in a large population database, indicating this variant is rare. At this time, the clinical significance of this variant is uncertain due to the absence of conclusive functional and genetic evidence.

NM_001178015.2(SLC4A10):c.211A>G (p.Lys71Glu)

Gene: SLC4A10 (solute carrier family 4 member 10; plus strand). Cytogenetic location: 2q24.2.
Variant type: single nucleotide variant.
Coding change: c.211A>G on transcript NM_001178015.2 (MANE Select); coding-DNA position 211, A replaced by G.
Protein change: p.Lys71Glu; replaces lysine 71 with glutamic acid.
Molecular consequence: missense variant. On other transcripts: 5 prime UTR variant (1), intron variant (1).
Genome position (GRCh38, 1-based): chr2:161,804,529, A>G. VCF-style: chr2-161804529-A-G. GRCh37 (hg19) VCF-style: chr2-162661039-A-G.
Other names: c.244A>G, p.Lys82Glu (NM_001178016.2, NM_001354441.2, NM_001354442.2 and 2 more transcripts); c.211A>G, p.Lys71Glu (NM_001354440.2, NM_001354444.2, NM_001354446.2 and 4 more transcripts); c.247A>G, p.Lys83Glu (NM_001354443.2, NM_001354447.2, NM_001354460.2 and 1 more transcripts); c.-475A>G (NM_001354455.2); c.130+33475A>G (NM_001354453.2); short protein forms K71E, K82E, K83E.
Identifiers: ClinVar variation 2633147 (VCV002633147.1), dbSNP rs2469502942, ClinGen allele CA349216230.